The following is an entry in ClinVar:

NM_018979.4(WNK1):c.2249C>T (p.Pro750Leu)

Gene: WNK1 (WNK lysine deficient protein kinase 1; plus strand). Cytogenetic location: 12p13.33.
Variant type: single nucleotide variant.
Coding change: c.2249C>T on transcript NM_018979.4 (MANE Select); coding-DNA position 2249, C replaced by T.
Protein change: p.Pro750Leu; replaces proline 750 with leucine.
Molecular consequence: missense variant.
Genome position (GRCh38, 1-based): chr12:878,237, C>T. VCF-style: chr12-878237-C-T. GRCh37 (hg19) VCF-style: chr12-987403-C-T.
Other names: c.3488C>T, p.Pro1163Leu (NM_001184985.2); c.2246C>T, p.Pro749Leu (NM_014823.3); c.3743C>T, p.Pro1248Leu (NM_213655.5); short protein forms P1248L, P1163L, P749L, P750L.
Identifiers: ClinVar variation 2138915 (VCV002138915.4), dbSNP rs2548917652, ClinGen allele CA383325619.
Genomic context (GRCh38, chr12:878,237, plus strand): 5'-TGAAATAAAACTGAATCATTGTATTTTATTCTTAGCAGCAGGGAATACAGCAGACAGCCC[C>T]TCCTCAACAGACAGTGCAGTATTCACTTTCACAGACATCAACCTCCAGTGAGGCCACTAC-3'
Protein context (NP_061852.3, residues 740-760): QQQQGIQQTA[Pro750Leu]PQQTVQYSLS

ClinVar aggregate classification (germline): Uncertain significance (1 of 4 stars; one submission).

Conditions:
Neuropathy, hereditary sensory and autonomic, type 2A (HSAN2A). Also called: ACROOSTEOLYSIS, GIACCAI TYPE; ACROOSTEOLYSIS, NEUROGENIC; MORVAN DISEASE; NEUROPATHY, CONGENITAL SENSORY; NEUROPATHY, HEREDITARY SENSORY RADICULAR, AUTOSOMAL RECESSIVE; NEUROPATHY, HEREDITARY SENSORY, TYPE IIA. Identifiers: Orphanet 970, MedGen C2752089, MONDO:0024309, OMIM 201300.
Pseudohypoaldosteronism type 2C (PHA2C). Also called: Pseudohypoaldosteronism Type IIC. Identifiers: Orphanet 757, Orphanet 88940, MedGen C1840391, MONDO:0013778, OMIM 614492.

Submission:

Labcorp Genetics (formerly Invitae), Labcorp
Classification: Uncertain significance for Neuropathy, hereditary sensory and autonomic, type 2A; Pseudohypoaldosteronism type 2C. Last evaluated: 2025-03-07. Review status: criteria provided, single submitter. Criteria: Invitae Variant Classification Sherloc (09022015). Collection method: clinical testing. Allele origin: germline.
Comment: This sequence change replaces proline, which is neutral and non-polar, with leucine, which is neutral and non-polar, at codon 1248 of the WNK1 protein (p.Pro1248Leu). This variant is not present in population databases (gnomAD no frequency). This variant has not been reported in the literature in individuals affected with WNK1-related conditions. ClinVar contains an entry for this variant (Variation ID: 2138915). Invitae Evidence Modeling of protein sequence and biophysical properties (such as structural, functional, and spatial information, amino acid conservation, physicochemical variation, residue mobility, and thermodynamic stability) indicates that this missense variant is not expected to disrupt WNK1 protein function with a negative predictive value of 95%. In summary, the available evidence is currently insufficient to determine the role of this variant in disease. Therefore, it has been classified as a Variant of Uncertain Significance.